The following is an entry in ClinVar:

ClinVar aggregate classification (germline): Uncertain significance (1 of 4 stars; one submission).

Submission:

GeneDx
Classification: Uncertain significance. Last evaluated: 2021-09-17. Review status: criteria provided, single submitter. Criteria: GeneDx Variant Classification Process June 2021. Collection method: clinical testing. Allele origin: germline.
Comment: Nonsense variant predicted to result in protein truncation or nonsense mediated decay in a gene for which loss-of-function is not a known mechanism of disease; Not observed at significant frequency in large population cohorts (gnomAD); Has not been previously published as pathogenic or benign to our knowledge; Variants in candidate genes are classified as variants of uncertain significance in accordance with ACMG guidelines (Richards et al., 2015)

NM_002332.3(LRP1):c.10593_10594del (p.Cys3531_Asp3532delinsTer)

Gene: LRP1 (LDL receptor related protein 1; plus strand). Cytogenetic location: 12q13.3.
Variant type: Microsatellite.
Coding change: c.10593_10594del on transcript NM_002332.3 (MANE Select); coding-DNA positions 10593 to 10594, 2 bases deleted (TG; older notation c.10593_10594delTG).
Protein change: p.Cys3531_Asp3532delinsTer.
Molecular consequence: nonsense.
Genome position (GRCh38, 1-based): chr12:57,201,904-57,201,905, TG deleted; deleting any 2 consecutive bases within chr12:57,201,901-57,201,905 gives the same sequence; the c. name uses the placement nearest the transcript's 3' end. VCF-style (leftmost placement, unchanged base first): chr12-57201900-AGT-A. GRCh37 (hg19) VCF-style: chr12-57595683-AGT-A.
Identifiers: ClinVar variation 4976195 (VCV004976195.1).
Genomic context (GRCh38, chr12:57,201,900, plus strand): 5'-CGCGTTGGAAGTGTGACGGAGAGGATGACTGTGGGGATGGCTCGGATGAGCCCAAGGAAG[AGT>A]GTGGTGAGCCGAGACCCCACTCCAGGAGGAAGACAGTCTACCTGGGTGGGAGGCATGGCA-3'